The following is an entry in ClinVar:

NM_004064.5(CDKN1B):c.529G>A (p.Gly177Ser)

Gene: CDKN1B (cyclin dependent kinase inhibitor 1B; plus strand). Cytogenetic location: 12p13.1.
Variant type: single nucleotide variant.
Coding change: c.529G>A on transcript NM_004064.5 (MANE Select); coding-DNA position 529, G replaced by A.
Protein change: p.Gly177Ser; replaces glycine 177 with serine.
Molecular consequence: missense variant.
Genome position (GRCh38, 1-based): chr12:12,718,878, G>A. VCF-style: chr12-12718878-G-A. GRCh37 (hg19) VCF-style: chr12-12871812-G-A.
Other names: short protein forms G177S.
Identifiers: ClinVar variation 857183 (VCV000857183.13), dbSNP rs529949605, ClinGen allele CA6457562.

ClinVar aggregate classification (germline): Uncertain significance. Review status: criteria provided, multiple submitters, no conflicts (2 of 4 stars). 4 submissions from 4 submitters: Uncertain significance (4). Last evaluated 2026-05-08.

Conditions:
Hereditary cancer-predisposing syndrome. Also called: Neoplastic Syndromes, Hereditary; Hereditary Cancer Syndrome; Tumor predisposition; Hereditary neoplastic syndrome. Identifiers: Orphanet 140162, MedGen C0027672, MeSH D009386, MONDO:0015356.
Multiple endocrine neoplasia type 4. Also called: MULTIPLE ENDOCRINE NEOPLASIA, TYPE IV. Identifiers: Orphanet 276152, MedGen C1970712, MONDO:0012552, OMIM 610755.
CDKN1B-related disorder. Also called: CDKN1B-related condition.

Allele frequency attached by ClinVar (database versions not stated): gnomAD 0.00001; TOPMed 0.00001; ExAC 0.00002; 1000 Genomes Project 30x 0.00016; 1000 Genomes Project 0.00020.

Submissions (4):

PreventionGenetics, part of Exact Sciences
Classification: Uncertain significance for CDKN1B-related condition. Last evaluated: 2026-05-08. Review status: criteria provided, single submitter. Criteria: ACMG Guidelines, 2015. Collection method: clinical testing. Allele origin: germline.
Comment: The CDKN1B c.529G>A variant is predicted to result in the amino acid substitution p.Gly177Ser. To our knowledge, this variant has not been reported in the literature. This variant is reported in 0.0062% of alleles in individuals of African descent in gnomAD and is classified as uncertain in ClinVar (Variation ID: 857183). At this time, the clinical significance of this variant is uncertain due to the absence of conclusive functional and genetic evidence.

Labcorp Genetics (formerly Invitae), Labcorp
Classification: Uncertain significance for Multiple endocrine neoplasia type 4. Last evaluated: 2026-01-19. Review status: criteria provided, single submitter. Criteria: Invitae Variant Classification Sherloc (09022015). Collection method: clinical testing. Allele origin: germline.
Comment: This sequence change replaces glycine, which is neutral and non-polar, with serine, which is neutral and polar, at codon 177 of the CDKN1B protein (p.Gly177Ser). This variant is present in population databases (rs529949605, gnomAD 0.007%). This variant has not been reported in the literature in individuals affected with CDKN1B-related conditions. ClinVar contains an entry for this variant (Variation ID: 857183). An algorithm developed to predict the effect of missense changes on protein structure and function outputs the following: PolyPhen-2: "Benign". The serine amino acid residue is found in multiple mammalian species, which suggests that this missense change does not adversely affect protein function. In summary, the available evidence is currently insufficient to determine the role of this variant in disease. Therefore, it has been classified as a Variant of Uncertain Significance.

Quest Diagnostics Nichols Institute San Juan Capistrano
Classification: Uncertain significance. Last evaluated: 2025-06-19. Review status: criteria provided, single submitter. Criteria: Quest Diagnostics criteria. Collection method: clinical testing. Allele origin: unknown.
Comment: The CDKN1B c.529G>A (p.Gly177Ser) variant has not been reported in individuals with CDKN1B-related conditions in the published literature. The frequency of this variant in the general population (Genome Aggregation Database) is uninformative in the assessment of its pathogenicity. Analysis of this variant using bioinformatics tools for the prediction of the effect of amino acid changes on protein structure and function yielded predictions that this variant is benign. Based on the available information, we are unable to determine the clinical significance of this variant.

Ambry Genetics
Classification: Uncertain significance for Hereditary cancer-predisposing syndrome. Last evaluated: 2024-11-08. Review status: criteria provided, single submitter. Criteria: Ambry Variant Classification Scheme 2023. Collection method: clinical testing. Allele origin: germline.